The following is an entry in ClinVar:

NM_021813.4(BACH2):c.1211A>G (p.Asn404Ser)

Gene: BACH2 (BACH transcriptional regulator 2; minus strand). Cytogenetic location: 6q15.
Variant type: single nucleotide variant.
Coding change: c.1211A>G on transcript NM_021813.4 (MANE Select); coding-DNA position 1211, A replaced by G.
Protein change: p.Asn404Ser; replaces asparagine 404 with serine.
Molecular consequence: missense variant.
Genome position (GRCh38, 1-based): chr6:89,950,895, T>C on the plus strand (A>G on the coding strand, the complement: BACH2 is on the minus strand). VCF-style: chr6-89950895-T-C. GRCh37 (hg19) VCF-style: chr6-90660614-T-C.
Other names: c.1211A>G, p.Asn404Ser (NM_001170794.2); short protein forms N404S.
Identifiers: ClinVar variation 1365415 (VCV001365415.6), dbSNP rs767537544, ClinGen allele CA3928032.

ClinVar aggregate classification (germline): Uncertain significance (1 of 4 stars; one submission).

Allele frequency attached by ClinVar (database versions not stated): TOPMed 0.00002; ExAC 0.00001; gnomAD 0.00001; gnomAD exomes 0.00002.
gnomAD v4.1: 10 of 1,600,486 alleles (0.00062%); highest among the groups gnomAD compares: African/African-American, 0.004%; no homozygotes.

Submission:

Labcorp Genetics (formerly Invitae), Labcorp
Classification: Uncertain significance. Last evaluated: 2025-08-12. Review status: criteria provided, single submitter. Criteria: Invitae Variant Classification Sherloc (09022015). Collection method: clinical testing. Allele origin: germline.
Comment: This sequence change replaces asparagine, which is neutral and polar, with serine, which is neutral and polar, at codon 404 of the BACH2 protein (p.Asn404Ser). This variant is present in population databases (rs767537544, gnomAD 0.007%). This variant has not been reported in the literature in individuals affected with BACH2-related conditions. ClinVar contains an entry for this variant (Variation ID: 1365415). Invitae Evidence Modeling of protein sequence and biophysical properties (such as structural, functional, and spatial information, amino acid conservation, physicochemical variation, residue mobility, and thermodynamic stability) indicates that this missense variant is not expected to disrupt BACH2 protein function with a negative predictive value of 80%. In summary, the available evidence is currently insufficient to determine the role of this variant in disease. Therefore, it has been classified as a Variant of Uncertain Significance.